The following is an entry in ClinVar:

NM_203288.2(RP9):c.329G>A (p.Arg110His)

Gene: RP9 (RP9 pre-mRNA splicing factor; minus strand). Cytogenetic location: 7p14.3.
Variant type: single nucleotide variant.
Coding change: c.329G>A on transcript NM_203288.2 (MANE Select); coding-DNA position 329, G replaced by A.
Protein change: p.Arg110His; replaces arginine 110 with histidine.
Molecular consequence: missense variant.
Genome position (GRCh38, 1-based): chr7:33,097,347, C>T on the plus strand (G>A on the coding strand, the complement: RP9 is on the minus strand). VCF-style: chr7-33097347-C-T. GRCh37 (hg19) VCF-style: chr7-33136959-C-T.
Other names: short protein forms R110H.
Identifiers: ClinVar variation 3767962 (VCV003767962.1).

ClinVar aggregate classification (germline): Uncertain significance (1 of 4 stars; one submission).

Conditions:
Retinitis pigmentosa 9 (RP9). Identifiers: Orphanet 791, MedGen C1867300, MONDO:0008378, OMIM 180104.

gnomAD v4.1: 10 of 1,613,190 alleles (0.00062%); highest among the groups gnomAD compares: East Asian, 0.0022%; no homozygotes.

Submission:

Diagnostics Services (NGS), CSIR - Centre For Cellular And Molecular Biology
Classification: Uncertain significance for Retinitis pigmentosa 9. Last evaluated: 2025-01-31. Review status: criteria provided, single submitter. Criteria: ACMG Guidelines, 2015. Collection method: clinical testing. Allele origin: unknown. Affected: yes. Observed: 1 variant allele, 1 heterozygote.
Comment: The c.329G>A variant is not present in 1000 Genomes, EVS, gnomAD, or Indian Exome Database. The variant is present in our internal database at a low frequency. This variant has neither been reported in the literature in individuals affected with RP9-related conditions nor reported to the clinical databases like Human Genome Mutation Database (HGMD), ClinVar, or OMIM in any affected individuals. In-silico pathogenicity prediction programs like SIFT, Polyphen-2, MutationTaster2021, CADD, etc predicted this variant to be likely deleterious however these predictions were not confirmed by published functional studies.